The following is an entry in ClinVar:

NM_000052.7(ATP7A):c.3201A>C (p.Arg1067Ser)

Gene: ATP7A (ATPase copper transporting alpha; plus strand). Cytogenetic location: Xq21.1.
Variant type: single nucleotide variant.
Coding change: c.3201A>C on transcript NM_000052.7 (MANE Select); coding-DNA position 3201, A replaced by C.
Protein change: p.Arg1067Ser; replaces arginine 1067 with serine.
Molecular consequence: missense variant. On other transcripts: non-coding transcript variant (1).
Genome position (GRCh38, 1-based): chrX:78,031,489, A>C. VCF-style: chrX-78031489-A-C. GRCh37 (hg19) VCF-style: chrX-77286987-A-C.
Other names: c.2967A>C, p.Arg989Ser (NM_001282224.2); short protein forms R1067S, R989S.
Identifiers: ClinVar variation 1405090 (VCV001405090.8), dbSNP rs2149106147, ClinGen allele CA413603619.

ClinVar aggregate classification (germline): Uncertain significance (1 of 4 stars; one submission).

Conditions:
Cutis laxa, X-linked (OHS). Also called: EDS IX; Occipital horn syndrome. Identifiers: Orphanet 198, MedGen C0268353, MONDO:0010572, OMIM 304150.
X-linked distal spinal muscular atrophy type 3. Also called: ATP7A-Related Distal Motor Neuropathy; SPINAL MUSCULAR ATROPHY, DISTAL, X-LINKED RECESSIVE; NEUROPATHY, DISTAL HEREDITARY MOTOR, X-LINKED; NEURONOPATHY, DISTAL HEREDITARY MOTOR, X-LINKED. Identifiers: Orphanet 139557, MedGen C1845359, MONDO:0010338, OMIM 300489.
Menkes kinky-hair syndrome (MNK). Also called: Classic Menkes Disease; Copper transport disease; Menkes Disease. Identifiers: Orphanet 565, MedGen C0022716, MONDO:0010651, OMIM 309400.

Submission:

Labcorp Genetics (formerly Invitae), Labcorp
Classification: Uncertain significance for X-linked distal spinal muscular atrophy type 3; Cutis laxa, X-linked; Menkes kinky-hair syndrome. Last evaluated: 2024-02-12. Review status: criteria provided, single submitter. Criteria: Invitae Variant Classification Sherloc (09022015). Collection method: clinical testing. Allele origin: germline.
Comment: This sequence change replaces arginine, which is basic and polar, with serine, which is neutral and polar, at codon 1067 of the ATP7A protein (p.Arg1067Ser). This variant is not present in population databases (gnomAD no frequency). This variant has not been reported in the literature in individuals affected with ATP7A-related conditions. ClinVar contains an entry for this variant (Variation ID: 1405090). Advanced modeling of protein sequence and biophysical properties (such as structural, functional, and spatial information, amino acid conservation, physicochemical variation, residue mobility, and thermodynamic stability) performed at Invitae indicates that this missense variant is not expected to disrupt ATP7A protein function with a negative predictive value of 95%. In summary, the available evidence is currently insufficient to determine the role of this variant in disease. Therefore, it has been classified as a Variant of Uncertain Significance.